The following is an entry in ClinVar:

ClinVar aggregate classification (germline): Uncertain significance (1 of 4 stars; one submission).

Conditions:
Muscle AMP deaminase deficiency (MMDD). Also called: Myoadenylate deaminase deficiency, myopathy due to; Adenosine monophosphate deaminase 1 deficiency; AMP deaminase 1 deficiency; Adenosine Monophosphate Deaminase 1; AMPD1 DEFICIENCY; ADENOSINE MONOPHOSPHATE DEAMINASE-1 DEFICIENCY, MYOPATHY DUE TO. Identifiers: Orphanet 45, MedGen C3714933, MONDO:0014220, OMIM 615511.

Allele frequency attached by ClinVar (database versions not stated): gnomAD exomes below 0.00001; TOPMed below 0.00001; ExAC 0.00001.

Submission:

Labcorp Genetics (formerly Invitae), Labcorp
Classification: Uncertain significance for Muscle AMP deaminase deficiency. Last evaluated: 2022-05-31. Review status: criteria provided, single submitter. Criteria: Invitae Variant Classification Sherloc (09022015). Collection method: clinical testing. Allele origin: germline.
Comment: This variant has not been reported in the literature in individuals affected with AMPD1-related conditions. This sequence change affects an acceptor splice site in intron 6 of the AMPD1 gene. It is expected to disrupt RNA splicing. Variants that disrupt the donor or acceptor splice site typically lead to a loss of protein function (PMID: 16199547), however the current clinical and genetic evidence is not sufficient to establish whether loss-of-function variants in AMPD1 cause disease. This variant is present in population databases (rs755615828, gnomAD 0.003%). Algorithms developed to predict the effect of sequence changes on RNA splicing suggest that this variant may disrupt the consensus splice site. In summary, the available evidence is currently insufficient to determine the role of this variant in disease. Therefore, it has been classified as a Variant of Uncertain Significance.

Literature cited by the submitters: PubMed 16199547.

NM_000036.3(AMPD1):c.768-2A>G

Gene: AMPD1 (adenosine monophosphate deaminase 1; minus strand). Cytogenetic location: 1p13.2.
Variant type: single nucleotide variant.
Coding change: c.768-2A>G on transcript NM_000036.3 (MANE Select); the canonical splice acceptor site of the intron before coding-DNA position 768, A replaced by G.
Molecular consequence: splice acceptor variant.
Genome position (GRCh38, 1-based): chr1:114,679,710, T>C on the plus strand (A>G on the coding strand, the complement: AMPD1 is on the minus strand). VCF-style: chr1-114679710-T-C. GRCh37 (hg19) VCF-style: chr1-115222331-T-C.
Other names: c.756-2A>G (NM_001172626.2).
Identifiers: ClinVar variation 1927269 (VCV001927269.5), dbSNP rs755615828, ClinGen allele CA1020308.
Genomic context (GRCh38, chr1:114,679,710, plus strand): 5'-TCTGATGGACCTGGAACTTGGAGGAGAGGAACTTCAGGCGCCGGTGGGTATAGGTCTTAC[T>C]GTGAAAAATAAAATCACATAATTCCAAAAAGTTTCAGGCATTCAAGAAAAACAGTCACAA-3'